The following is an entry in ClinVar:

ClinVar aggregate classification (germline): Uncertain significance (1 of 4 stars; one submission).

Submission:

Labcorp Genetics (formerly Invitae), Labcorp
Classification: Uncertain significance. Last evaluated: 2024-08-07. Review status: criteria provided, single submitter. Criteria: Invitae Variant Classification Sherloc (09022015). Collection method: clinical testing. Allele origin: germline.
Comment: This sequence change replaces leucine, which is neutral and non-polar, with arginine, which is basic and polar, at codon 225 of the GATAD2B protein (p.Leu225Arg). This variant is not present in population databases (gnomAD no frequency). This variant has not been reported in the literature in individuals affected with GATAD2B-related conditions. Advanced modeling of protein sequence and biophysical properties (such as structural, functional, and spatial information, amino acid conservation, physicochemical variation, residue mobility, and thermodynamic stability) performed at Invitae indicates that this missense variant is not expected to disrupt GATAD2B protein function with a negative predictive value of 80%. In summary, the available evidence is currently insufficient to determine the role of this variant in disease. Therefore, it has been classified as a Variant of Uncertain Significance.

NM_020699.4(GATAD2B):c.674T>G (p.Leu225Arg)

Gene: GATAD2B (GATA zinc finger domain containing 2B; minus strand). Cytogenetic location: 1q21.3.
Variant type: single nucleotide variant.
Coding change: c.674T>G on transcript NM_020699.4 (MANE Select); coding-DNA position 674, T replaced by G.
Protein change: p.Leu225Arg; replaces leucine 225 with arginine.
Molecular consequence: missense variant.
Genome position (GRCh38, 1-based): chr1:153,818,095, A>C on the plus strand (T>G on the coding strand, the complement: GATAD2B is on the minus strand). VCF-style: chr1-153818095-A-C. GRCh37 (hg19) VCF-style: chr1-153790571-A-C.
Other names: short protein forms L225R.
Identifiers: ClinVar variation 2787609 (VCV002787609.3), dbSNP rs776953440, ClinGen allele CA342531811.